The following is an entry in ClinVar:

ClinVar aggregate classification (germline): Uncertain significance (1 of 4 stars; one submission).

Conditions:
Chédiak-Higashi syndrome (CHS). Also called: Chediak-Higashi Syndrome. Identifiers: Orphanet 167, MedGen C0007965, MONDO:0008963, OMIM 214500.

Submission:

Labcorp Genetics (formerly Invitae), Labcorp
Classification: Uncertain significance for Chédiak-Higashi syndrome. Last evaluated: 2025-01-06. Review status: criteria provided, single submitter. Criteria: Invitae Variant Classification Sherloc (09022015). Collection method: clinical testing. Allele origin: germline.
Comment: This sequence change replaces glutamine, which is neutral and polar, with glutamic acid, which is acidic and polar, at codon 1765 of the LYST protein (p.Gln1765Glu). This variant is not present in population databases (gnomAD no frequency). This variant has not been reported in the literature in individuals affected with LYST-related conditions. ClinVar contains an entry for this variant (Variation ID: 2103422). Invitae Evidence Modeling of protein sequence and biophysical properties (such as structural, functional, and spatial information, amino acid conservation, physicochemical variation, residue mobility, and thermodynamic stability) indicates that this missense variant is not expected to disrupt LYST protein function with a negative predictive value of 80%. In summary, the available evidence is currently insufficient to determine the role of this variant in disease. Therefore, it has been classified as a Variant of Uncertain Significance.

NM_000081.4(LYST):c.5293C>G (p.Gln1765Glu)

Gene: LYST (lysosomal trafficking regulator; minus strand). Cytogenetic location: 1q42.3.
Variant type: single nucleotide variant.
Coding change: c.5293C>G on transcript NM_000081.4 (MANE Select); coding-DNA position 5293, C replaced by G.
Protein change: p.Gln1765Glu; replaces glutamine 1765 with glutamic acid.
Molecular consequence: missense variant.
Genome position (GRCh38, 1-based): chr1:235,777,230, G>C on the plus strand (C>G on the coding strand, the complement: LYST is on the minus strand). VCF-style: chr1-235777230-G-C. GRCh37 (hg19) VCF-style: chr1-235940530-G-C.
Other names: c.5293C>G, p.Gln1765Glu (NM_001301365.1); short protein forms Q1765E.
Identifiers: ClinVar variation 2103422 (VCV002103422.2), dbSNP rs1669362398, ClinGen allele CA344953597.